The following is an entry in ClinVar:

NM_002693.3(POLG):c.830A>C (p.His277Pro)

Genes: POLG (DNA polymerase gamma, catalytic subunit; minus strand), POLGARF (POLG alternative reading frame; minus strand). Cytogenetic location: 15q26.1.
Variant type: single nucleotide variant.
Coding change: c.830A>C on transcript NM_002693.3 (MANE Select); coding-DNA position 830, A replaced by C.
Protein change: p.His277Pro; replaces histidine 277 with proline.
Molecular consequence: missense variant.
Genome position (GRCh38, 1-based): chr15:89,330,106, T>G on the plus strand (A>C on the coding strand, the complement: POLG is on the minus strand). VCF-style: chr15-89330106-T-G. GRCh37 (hg19) VCF-style: chr15-89873337-T-G.
Other names: c.830A>C, p.His277Pro (NM_001126131.2); short protein forms H277P.
Identifiers: ClinVar variation 452011 (VCV000452011.2), dbSNP rs138929605, ClinGen allele CA393766619.

ClinVar aggregate classification (germline): Uncertain significance (1 of 4 stars; one submission).

gnomAD v4.1: 1 of 1,614,118 alleles (0.000062%); highest among the groups gnomAD compares: South Asian, 0.0011%; no homozygotes.

Submission:

GeneDx
Classification: Uncertain significance. Last evaluated: 2018-04-20. Review status: criteria provided, single submitter. Criteria: GeneDx Variant Classification (06012015). Collection method: clinical testing. Allele origin: germline. Affected: yes.
Comment: The H277P variant in the POLG gene has not been reported previously as a pathogenic variant, nor as a benign variant, to our knowledge. The H277P variant is not observed in large population cohorts (Lek et al., 2016). The H277P variant is a non-conservative amino acid substitution, which is likely to impact secondary protein structure as these residues differ in polarity, charge, size and/or other properties. This substitution occurs at a position that is not conserved. In silico analysis predicts this variant is probably damaging to the protein structure/function. We interpret H277P as a variant of uncertain significance.